The following is an entry in ClinVar:

ClinVar aggregate classification (germline): Uncertain significance (1 of 4 stars; one submission).

Conditions:
Bethlem myopathy 1A. Also called: MYOPATHY, BENIGN CONGENITAL, WITH CONTRACTURES; Bethlem myopathy 1; Bethlem Muscular Dystrophy. Identifiers: Orphanet 610, MedGen CN029274, MONDO:0024530, OMIM 158810.

Submission:

Labcorp Genetics (formerly Invitae), Labcorp
Classification: Uncertain significance for Bethlem myopathy 1A. Last evaluated: 2025-05-07. Review status: criteria provided, single submitter. Criteria: Invitae Variant Classification Sherloc (09022015). Collection method: clinical testing. Allele origin: germline.
Comment: This sequence change replaces leucine, which is neutral and non-polar, with arginine, which is basic and polar, at codon 865 of the COL6A2 protein (p.Leu865Arg). This variant is not present in population databases (gnomAD no frequency). This variant has not been reported in the literature in individuals affected with COL6A2-related conditions. Invitae Evidence Modeling of protein sequence and biophysical properties (such as structural, functional, and spatial information, amino acid conservation, physicochemical variation, residue mobility, and thermodynamic stability) indicates that this missense variant is expected to disrupt COL6A2 protein function with a positive predictive value of 80%. In summary, the available evidence is currently insufficient to determine the role of this variant in disease. Therefore, it has been classified as a Variant of Uncertain Significance.

NM_001849.4(COL6A2):c.2594T>G (p.Leu865Arg)

Gene: COL6A2 (collagen type VI alpha 2 chain; plus strand). Cytogenetic location: 21q22.3.
Variant type: single nucleotide variant.
Coding change: c.2594T>G on transcript NM_001849.4 (MANE Select); coding-DNA position 2594, T replaced by G.
Protein change: p.Leu865Arg; replaces leucine 865 with arginine.
Molecular consequence: missense variant.
Genome position (GRCh38, 1-based): chr21:46,132,086, T>G. VCF-style: chr21-46132086-T-G. GRCh37 (hg19) VCF-style: chr21-47552000-T-G.
Other names: short protein forms L865R.
Identifiers: ClinVar variation 4797612 (VCV004797612.1).